The following is an entry in ClinVar:

NM_023110.3(FGFR1):c.1005C>G (p.Asp335Glu)

Gene: FGFR1 (fibroblast growth factor receptor 1; minus strand). Cytogenetic location: 8p11.23.
Variant type: single nucleotide variant.
Coding change: c.1005C>G on transcript NM_023110.3 (MANE Select); coding-DNA position 1005, C replaced by G.
Protein change: p.Asp335Glu; replaces aspartic acid 335 with glutamic acid.
Molecular consequence: missense variant.
Genome position (GRCh38, 1-based): chr8:38,421,873, G>C on the plus strand (C>G on the coding strand, the complement: FGFR1 is on the minus strand). VCF-style: chr8-38421873-G-C. GRCh37 (hg19) VCF-style: chr8-38279391-G-C.
Other names: c.1005C>G, p.Asp335Glu (NM_001174063.2); c.981C>G, p.Asp327Glu (NM_001174064.2); c.999C>G, p.Asp333Glu (NM_001174065.2, NM_001354367.2, NM_001354369.2 and 2 more transcripts); c.738C>G, p.Asp246Glu (NM_001174066.2, NM_023105.3); c.1098C>G, p.Asp366Glu (NM_001174067.2); c.732C>G, p.Asp244Glu (NM_001354368.2, NM_001354370.2, NM_023106.3); short protein forms D244E, D327E, D335E, D246E, D333E, D366E.
Identifiers: ClinVar variation 4789779 (VCV004789779.1).
Genomic context (GRCh38, chr8:38,421,873, plus strand): 5'-CCATGCAGAGTGATGGGAGAGTCCGATAGAGTTACCCGCCAAGCACGTATACTCCCCTGC[G>C]TCCTCAAAGGAGACATTTCTTAAGTGAAGCACCTCCATCTCTTTGTCGGTGGTATTAACT-3'
Protein context (NP_075598.2, residues 325-345): VLHLRNVSFE[Asp335Glu]AGEYTCLAGN

ClinVar aggregate classification (germline): Uncertain significance (1 of 4 stars; one submission).

Conditions:
Hypogonadotropic hypogonadism 2 with or without anosmia (HH2). Also called: HYPOGONADOTROPIC HYPOGONADISM 2 WITHOUT ANOSMIA; FGFR1-Related GnRH Deficiency (Kallmann Syndrome 2); HYPOGONADOTROPIC HYPOGONADISM 2 WITH OR WITHOUT ANOSMIA, SUSCEPTIBILITY TO; HYPOGONADOTROPIC HYPOGONADISM 2 WITHOUT ANOSMIA, SUSCEPTIBILITY TO. Identifiers: Orphanet 478, MedGen C1563720, MONDO:0007844, OMIM 147950. Disease mechanism: loss of function.
Pfeiffer syndrome (ACS5). Also called: ACS V. Identifiers: Orphanet 710, MedGen C0220658, MONDO:0007043, OMIM 101600.

Submission:

Labcorp Genetics (formerly Invitae), Labcorp
Classification: Uncertain significance for Pfeiffer syndrome; Hypogonadotropic hypogonadism 2 with or without anosmia. Last evaluated: 2025-10-26. Review status: criteria provided, single submitter. Criteria: Invitae Variant Classification Sherloc (09022015). Collection method: clinical testing. Allele origin: germline.
Comment: This sequence change replaces aspartic acid, which is acidic and polar, with glutamic acid, which is acidic and polar, at codon 335 of the FGFR1 protein (p.Asp335Glu). This variant is not present in population databases (gnomAD no frequency). This missense change has been observed in individual(s) with clinical features of FGFR1-related conditions (internal data). Invitae Evidence Modeling of protein sequence and biophysical properties (such as structural, functional, and spatial information, amino acid conservation, physicochemical variation, residue mobility, and thermodynamic stability) indicates that this missense variant is not expected to disrupt FGFR1 protein function with a negative predictive value of 80%. In summary, the available evidence is currently insufficient to determine the role of this variant in disease. Therefore, it has been classified as a Variant of Uncertain Significance.